The following is an entry in ClinVar:

ClinVar aggregate classification (germline): Uncertain significance (1 of 4 stars; one submission).

Conditions:
Rafiq syndrome (RAFQS). Identifiers: Orphanet 88616, MedGen C3280127, MONDO:0013624, OMIM 614202.

Allele frequency attached by ClinVar (database versions not stated): ExAC 0.00002.
gnomAD v4.1: 9 of 1,595,060 alleles (0.00056%); highest among the groups gnomAD compares: Admixed American, 0.016%; no homozygotes.

Submission:

Labcorp Genetics (formerly Invitae), Labcorp
Classification: Uncertain significance for Rafiq syndrome. Last evaluated: 2022-03-27. Review status: criteria provided, single submitter. Criteria: Invitae Variant Classification Sherloc (09022015). Collection method: clinical testing. Allele origin: germline.
Comment: This sequence change replaces serine, which is neutral and polar, with threonine, which is neutral and polar, at codon 55 of the MAN1B1 protein (p.Ser55Thr). This variant is present in population databases (rs768169999, gnomAD 0.02%). This variant has not been reported in the literature in individuals affected with MAN1B1-related conditions. Algorithms developed to predict the effect of missense changes on protein structure and function (SIFT, PolyPhen-2, Align-GVGD) all suggest that this variant is likely to be tolerated. In summary, the available evidence is currently insufficient to determine the role of this variant in disease. Therefore, it has been classified as a Variant of Uncertain Significance.

NM_016219.5(MAN1B1):c.164G>C (p.Ser55Thr)

Genes: MAN1B1 (mannosidase alpha class 1B member 1; plus strand), LOC130003079 (ATAC-STARR-seq lymphoblastoid silent region 20579; plus strand). Cytogenetic location: 9q34.3.
Variant type: single nucleotide variant.
Coding change: c.164G>C on transcript NM_016219.5 (MANE Select); coding-DNA position 164, G replaced by C.
Protein change: p.Ser55Thr; replaces serine 55 with threonine.
Molecular consequence: missense variant. On other transcripts: non-coding transcript variant (2).
Genome position (GRCh38, 1-based): chr9:137,087,163, G>C. VCF-style: chr9-137087163-G-C. GRCh37 (hg19) VCF-style: chr9-139981615-G-C.
Other names: c.56G>C, p.Ser19Thr (NM_007230.1); short protein forms S19T, S55T.
Identifiers: ClinVar variation 2168040 (VCV002168040.1), dbSNP rs768169999, ClinGen allele CA5358471.